The following is an entry in ClinVar:

NM_000038.6(APC):c.5927A>G (p.Asp1976Gly)

Gene: APC (APC regulator of Wnt signaling pathway; plus strand). Cytogenetic location: 5q22.2.
Variant type: single nucleotide variant.
Coding change: c.5927A>G on transcript NM_000038.6 (MANE Select); coding-DNA position 5927, A replaced by G.
Protein change: p.Asp1976Gly; replaces aspartic acid 1976 with glycine.
Molecular consequence: missense variant. On other transcripts: non-coding transcript variant (2).
Genome position (GRCh38, 1-based): chr5:112,841,521, A>G. VCF-style: chr5-112841521-A-G. GRCh37 (hg19) VCF-style: chr5-112177218-A-G.
Other names: c.5927A>G, p.Asp1976Gly (NM_001127510.3, NM_001354895.2, NM_001407450.1); c.5873A>G, p.Asp1958Gly (NM_001127511.3); c.5981A>G, p.Asp1994Gly (NM_001354896.2, NM_001407447.1, NM_001407448.1 and 1 more transcripts); c.5957A>G, p.Asp1986Gly (NM_001354897.2); c.5852A>G, p.Asp1951Gly (NM_001354898.2); c.5843A>G, p.Asp1948Gly (NM_001354899.2); c.5804A>G, p.Asp1935Gly (NM_001354900.2); c.5750A>G, p.Asp1917Gly (NM_001354901.2, NM_001407453.1); and 11 more; short protein forms D1592G, D1816G, D1935G, D1951G, D1969G, D2004G, D1693G, D1847G.
Identifiers: ClinVar variation 2566956 (VCV002566956.4), dbSNP rs2533677952, ClinGen allele CA16034297.

ClinVar aggregate classification (germline): Uncertain significance. Review status: criteria provided, multiple submitters, no conflicts (2 of 4 stars). 2 submissions from 2 submitters: Uncertain significance (2). Last evaluated 2024-05-27.

Conditions:
Hereditary cancer-predisposing syndrome. Also called: Hereditary neoplastic syndrome; Hereditary Cancer Syndrome; Neoplastic Syndromes, Hereditary; Tumor predisposition. Identifiers: Orphanet 140162, MedGen C0027672, MeSH D009386, MONDO:0015356.
Familial adenomatous polyposis 1 (FAP1). Also called: POLYPOSIS, ADENOMATOUS INTESTINAL; FAMILIAL ADENOMATOUS POLYPOSIS 1, ATTENUATED. Identifiers: MedGen C2713442, MONDO:0021056, OMIM 175100. Disease mechanism: loss of function.

Submissions (2):

Labcorp Genetics (formerly Invitae), Labcorp
Classification: Uncertain significance for Familial adenomatous polyposis 1. Last evaluated: 2024-05-27. Review status: criteria provided, single submitter. Criteria: Invitae Variant Classification Sherloc (09022015). Collection method: clinical testing. Allele origin: germline.
Comment: This sequence change replaces aspartic acid, which is acidic and polar, with glycine, which is neutral and non-polar, at codon 1976 of the APC protein (p.Asp1976Gly). This variant is not present in population databases (gnomAD no frequency). This variant has not been reported in the literature in individuals affected with APC-related conditions. ClinVar contains an entry for this variant (Variation ID: 2566956). Advanced modeling of protein sequence and biophysical properties (such as structural, functional, and spatial information, amino acid conservation, physicochemical variation, residue mobility, and thermodynamic stability) performed at Invitae indicates that this missense variant is not expected to disrupt APC protein function with a negative predictive value of 95%. In summary, the available evidence is currently insufficient to determine the role of this variant in disease. Therefore, it has been classified as a Variant of Uncertain Significance.

Ambry Genetics
Classification: Uncertain significance for Hereditary cancer-predisposing syndrome. Last evaluated: 2023-04-03. Review status: criteria provided, single submitter. Criteria: Ambry Variant Classification Scheme 2023. Collection method: clinical testing. Allele origin: germline.
Comment: The p.D1976G variant (also known as c.5927A>G), located in coding exon 15 of the APC gene, results from an A to G substitution at nucleotide position 5927. The aspartic acid at codon 1976 is replaced by glycine, an amino acid with similar properties. This amino acid position is conserved. In addition, in silico predictors for this gene do not accurately predict pathogenicity. Since supporting evidence is limited at this time, the clinical significance of this alteration remains unclear.